The following is an entry in ClinVar:

ClinVar aggregate classification (germline): Pathogenic. Review status: criteria provided, multiple submitters, no conflicts (2 of 4 stars). 3 submissions from 3 submitters: Pathogenic (2). 1 of the submissions does not count toward it. Last evaluated 2024-02-28.

Conditions:
Citrullinemia, type II, adult-onset (CDAA). Also called: CITRIN DEFICIENCY, ADOLESCENT OR ADULT ONSET. Identifiers: Orphanet 247585, MedGen CN295299, MONDO:0011326, OMIM 603471.
Neonatal intrahepatic cholestasis due to citrin deficiency (CDNI). Also called: Neonatal-onset citrullinemia type II; Neonatal-onset citrullinemia type 2; CITRIN DEFICIENCY, NEONATAL OR INFANTILE ONSET; Neonatal Intrahepatic Cholestasis Caused by Citrin Deficiency (NICCD). Identifiers: Orphanet 247598, MedGen C1853942, MONDO:0011601, OMIM 605814.
Citrin deficiency. Identifiers: Orphanet 247582, MedGen C1997910, MONDO:0016602.

Submissions (3):

Baylor Genetics
Classification: Pathogenic for Citrullinemia, type II, adult-onset. Last evaluated: 2024-02-28. Review status: criteria provided, single submitter. Criteria: ACMG Guidelines, 2015. Collection method: clinical testing. Allele origin: unknown.

Labcorp Genetics (formerly Invitae), Labcorp
Classification: Pathogenic for Citrin deficiency. Last evaluated: 2023-12-30. Review status: criteria provided, single submitter. Criteria: Invitae Variant Classification Sherloc (09022015). Collection method: clinical testing. Allele origin: germline.
Comment: This sequence change creates a premature translational stop signal (p.Gln165*) in the SLC25A13 gene. It is expected to result in an absent or disrupted protein product. Loss-of-function variants in SLC25A13 are known to be pathogenic (PMID: 10369257, 14680984, 27405544). This variant is not present in population databases (gnomAD no frequency). This premature translational stop signal has been observed in individual(s) with clinical features of autosomal recessive citrin deficiency (PMID: 27405544). ClinVar contains an entry for this variant (Variation ID: 590804). For these reasons, this variant has been classified as Pathogenic.

SingHealth Duke-NUS Institute of Precision Medicine
Classification: Pathogenic for Neonatal intrahepatic cholestasis due to citrin deficiency. Last evaluated: 2017-06-07. Review status: no assertion criteria provided. Collection method: curation. Allele origin: germline. Affected: no. Not counted in ClinVar's aggregate classification.

Literature cited by the submitters: PubMed 10369257 (cited by Labcorp Genetics (formerly Invitae), Labcorp); PubMed 14680984 (cited by Labcorp Genetics (formerly Invitae), Labcorp); PubMed 27405544 (cited by Labcorp Genetics (formerly Invitae), Labcorp).

NM_014251.3(SLC25A13):c.493C>T (p.Gln165Ter)

Gene: SLC25A13 (solute carrier family 25 member 13; minus strand). Cytogenetic location: 7q21.3.
Variant type: single nucleotide variant.
Coding change: c.493C>T on transcript NM_014251.3 (MANE Select); coding-DNA position 493, C replaced by T.
Protein change: p.Gln165Ter; replaces glutamine 165 with a stop codon.
Molecular consequence: nonsense. On other transcripts: non-coding transcript variant (1).
Genome position (GRCh38, 1-based): chr7:96,193,159, G>A on the plus strand (C>T on the coding strand, the complement: SLC25A13 is on the minus strand). VCF-style: chr7-96193159-G-A. GRCh37 (hg19) VCF-style: chr7-95822471-G-A.
Other names: c.493C>T, p.Gln165Ter (NM_001160210.2); short protein forms Q165*.
Identifiers: ClinVar variation 590804 (VCV000590804.5), dbSNP rs1562831765, ClinGen allele CA368263522.
Genomic context (GRCh38, chr7:96,193,159, plus strand): 5'-CTCGGAAGTCGATGGCTGTGACTCTCCCAGTCCTAGCATTGTCCCGTTGCACAAAGGCTT[G>A]CTTTGCGTGCTCCAGTTGTATTTCCTACAAATAAAGAAAGTAAAATACTTAATTTATGCT-3'